The following is an entry in ClinVar:

NM_031935.3(HMCN1):c.6311C>T (p.Pro2104Leu)

Gene: HMCN1 (hemicentin 1; plus strand). Cytogenetic location: 1q31.1.
Variant type: single nucleotide variant.
Coding change: c.6311C>T on transcript NM_031935.3 (MANE Select); coding-DNA position 6311, C replaced by T.
Protein change: p.Pro2104Leu; replaces proline 2104 with leucine.
Molecular consequence: missense variant.
Genome position (GRCh38, 1-based): chr1:186,045,694, C>T. VCF-style: chr1-186045694-C-T. GRCh37 (hg19) VCF-style: chr1-186014826-C-T.
Other names: short protein forms P2104L.
Identifiers: ClinVar variation 4779850 (VCV004779850.1).
Genomic context (GRCh38, chr1:186,045,694, plus strand): 5'-GTAAACAGTGTGCTGGCCTGTTTTATCCTGAAAGAAAACCCATCTTTCATGTAGTTCCGC[C>T]AAATATTATGGGAGAAGAACAGAATGTCTCTGTCCTCATTAGCCAAGCTGTGGAATTACT-3'
Protein context (NP_114141.2, residues 2094-2114): RDIDLRVYVP[Pro2104Leu]NIMGEEQNVS

ClinVar aggregate classification (germline): Uncertain significance (1 of 4 stars; one submission).

gnomAD v4.1: 3 of 1,613,018 alleles (0.00019%); highest among the groups gnomAD compares: East Asian, 0.0067%; no homozygotes.

Submission:

Labcorp Genetics (formerly Invitae), Labcorp
Classification: Uncertain significance. Last evaluated: 2025-04-18. Review status: criteria provided, single submitter. Criteria: Invitae Variant Classification Sherloc (09022015). Collection method: clinical testing. Allele origin: germline.
Comment: This sequence change replaces proline, which is neutral and non-polar, with leucine, which is neutral and non-polar, at codon 2104 of the HMCN1 protein (p.Pro2104Leu). This variant is present in population databases (rs772699843, gnomAD 0.02%). This variant has not been reported in the literature in individuals affected with HMCN1-related conditions. An algorithm developed to predict the effect of missense changes on protein structure and function (PolyPhen-2) suggests that this variant is likely to be disruptive. Algorithms developed to predict the effect of sequence changes on RNA splicing suggest that this variant may disrupt the consensus splice site. In summary, the available evidence is currently insufficient to determine the role of this variant in disease. Therefore, it has been classified as a Variant of Uncertain Significance.